The following is an entry in ClinVar:

NM_000171.4(GLRA1):c.622G>A (p.Asp208Asn)

Gene: GLRA1 (glycine receptor alpha 1; minus strand). Cytogenetic location: 5q33.1.
Variant type: single nucleotide variant.
Coding change: c.622G>A on transcript NM_000171.4 (MANE Select); coding-DNA position 622, G replaced by A.
Protein change: p.Asp208Asn; replaces aspartic acid 208 with asparagine.
Molecular consequence: missense variant.
Genome position (GRCh38, 1-based): chr5:151,855,115, C>T on the plus strand (G>A on the coding strand, the complement: GLRA1 is on the minus strand). VCF-style: chr5-151855115-C-T. GRCh37 (hg19) VCF-style: chr5-151234676-C-T.
Other names: c.622G>A, p.Asp208Asn (NM_001146040.2); c.373G>A, p.Asp125Asn (NM_001292000.2); short protein forms D208N, D125N.
Identifiers: ClinVar variation 532832 (VCV000532832.9), dbSNP rs763939987, ClinGen allele CA3523637.

ClinVar aggregate classification (germline): Uncertain significance. Review status: criteria provided, multiple submitters, no conflicts (2 of 4 stars). 2 submissions from 2 submitters: Uncertain significance (2). Last evaluated 2026-03-18.

Conditions:
Hereditary hyperekplexia. Identifiers: Orphanet 3197, MedGen C4084968, MONDO:0021022.

Allele frequency attached by ClinVar (database versions not stated): gnomAD exomes below 0.00001 and 0.00002; ExAC 0.00001.
gnomAD v4.1: 2 of 1,613,916 alleles (0.00012%); highest among the groups gnomAD compares: East Asian, 0.0045%; no homozygotes.

Submissions (2):

Women's Health and Genetics/Laboratory Corporation of America, LabCorp
Classification: Uncertain significance. Last evaluated: 2026-03-18. Review status: criteria provided, single submitter. Criteria: LabCorp Variant Classification Summary - May 2015. Collection method: clinical testing. Allele origin: germline.
Comment: Variant summary: GLRA1 c.622G>A (p.Asp208Asn) results in a conservative amino acid change in the encoded protein sequence. Algorithms developed to predict the effect of missense changes on protein structure and function are either unavailable or do not agree on the potential impact of this missense change. The variant allele was found at a frequency of 2e-05 in 251490 control chromosomes. The available data on variant occurrences in the general population are insufficient to allow any conclusion about variant significance. To our knowledge, no occurrence of c.622G>A in individuals affected with GLRA1-related conditions and no experimental evidence demonstrating its impact on protein function have been reported. ClinVar contains an entry for this variant (Variation ID: 532832). Based on the evidence outlined above, the variant was classified as uncertain significance.

Labcorp Genetics (formerly Invitae), Labcorp
Classification: Uncertain significance for Hereditary hyperekplexia. Last evaluated: 2024-06-06. Review status: criteria provided, single submitter. Criteria: Invitae Variant Classification Sherloc (09022015). Collection method: clinical testing. Allele origin: germline.
Comment: This sequence change replaces aspartic acid, which is acidic and polar, with asparagine, which is neutral and polar, at codon 208 of the GLRA1 protein (p.Asp208Asn). This variant is present in population databases (rs763939987, gnomAD 0.03%). This variant has not been reported in the literature in individuals affected with GLRA1-related conditions. ClinVar contains an entry for this variant (Variation ID: 532832). Advanced modeling of protein sequence and biophysical properties (such as structural, functional, and spatial information, amino acid conservation, physicochemical variation, residue mobility, and thermodynamic stability) has been performed at Invitae for this missense variant, however the output from this modeling did not meet the statistical confidence thresholds required to predict the impact of this variant on GLRA1 protein function. In summary, the available evidence is currently insufficient to determine the role of this variant in disease. Therefore, it has been classified as a Variant of Uncertain Significance.